The following is an entry in ClinVar:

ClinVar aggregate classification (germline): Likely pathogenic (1 of 4 stars; one submission).

Conditions:
Autosomal recessive polycystic kidney disease (ARPKD). Also called: AR polycystic kidney disease. Identifiers: Orphanet 731, Orphanet 8378, MedGen C0085548, MeSH D017044, MONDO:0009889.

Submission:

Natera, Inc.
Classification: Likely pathogenic for Autosomal recessive polycystic kidney disease. Last evaluated: 2024-04-16. Review status: criteria provided, single submitter. Criteria: Natera Variant Classification Schema (03/2026). Collection method: clinical testing. Allele origin: germline.
Comment: The c.3634delAinsTC variant in PKHD1 is a frameshift variant predicted to shift the reading frame beginning at codon 1212 and leads to a stop codon 27 codons downstream. This variant is expected to result in nonsense mediated decay, truncation, or a dysfunctional protein product. This variant is rare in the general population with a frequency below the threshold expected for the associated phenotype(s). Given the available evidence, this variant is classified as Likely Pathogenic.

NM_138694.4(PKHD1):c.3634delinsTC (p.Thr1212fs)

Gene: PKHD1 (PKHD1 ciliary IPT domain containing fibrocystin/polyductin; minus strand). Cytogenetic location: 6p12.2.
Variant type: Indel.
Coding change: c.3634delinsTC on transcript NM_138694.4 (MANE Select); coding-DNA position 3634, A replaced by TC.
Protein change: p.Thr1212fs; shifts the reading frame from threonine 1212.
Molecular consequence: frameshift variant.
Genome position (GRCh38, 1-based): chr6:52,026,176, T replaced by GA on the plus strand (A replaced by TC on the coding strand, the reverse complement: PKHD1 is on the minus strand). VCF-style: chr6-52026176-T-GA. GRCh37 (hg19) VCF-style: chr6-51890974-T-GA.
Other names: c.3634delinsTC, p.Thr1212fs (NM_170724.3); short protein forms T1212fs.
Identifiers: ClinVar variation 4816640 (VCV004816640.1).